The following is an entry in ClinVar:

ClinVar aggregate classification (germline): Uncertain significance. Review status: criteria provided, multiple submitters, no conflicts (2 of 4 stars). 3 submissions from 3 submitters: Uncertain significance (3). Last evaluated 2026-07-19.

Conditions:
COL4A3-related disorder. Also called: COL4A3-Related Disorders; COL4A3-related condition.

Allele frequency attached by ClinVar (database versions not stated): gnomAD exomes below 0.00001; ExAC 0.00001.
gnomAD v4.1: 2 of 1,613,530 alleles (0.00012%); highest among the groups gnomAD compares: Admixed American, 0.0017%; no homozygotes.

Submissions (3):

PreventionGenetics, part of Exact Sciences
Classification: Uncertain significance for COL4A3-related condition. Last evaluated: 2026-07-19. Review status: criteria provided, single submitter. Criteria: ACMG Guidelines, 2015. Collection method: clinical testing. Allele origin: germline.
Comment: The COL4A3 c.293T>G variant is predicted to result in the amino acid substitution p.Leu98Trp. To our knowledge, this variant has not been reported in the literature. This variant is reported in 0.0029% of alleles in individuals of Latino descent in gnomAD. At this time, the clinical significance of this variant is uncertain due to the absence of conclusive functional and genetic evidence.

Labcorp Genetics (formerly Invitae), Labcorp
Classification: Uncertain significance. Last evaluated: 2022-06-27. Review status: criteria provided, single submitter. Criteria: Invitae Variant Classification Sherloc (09022015). Collection method: clinical testing. Allele origin: germline.
Comment: This sequence change replaces leucine, which is neutral and non-polar, with tryptophan, which is neutral and slightly polar, at codon 98 of the COL4A3 protein (p.Leu98Trp). This variant is present in population databases (rs768983795, gnomAD 0.003%). This variant has not been reported in the literature in individuals affected with COL4A3-related conditions. Advanced modeling of protein sequence and biophysical properties (such as structural, functional, and spatial information, amino acid conservation, physicochemical variation, residue mobility, and thermodynamic stability) performed at Invitae indicates that this missense variant is not expected to disrupt COL4A3 protein function. In summary, the available evidence is currently insufficient to determine the role of this variant in disease. Therefore, it has been classified as a Variant of Uncertain Significance.

Blueprint Genetics
Classification: Uncertain significance. Last evaluated: 2019-02-08. Review status: criteria provided, single submitter. Criteria: ACMG Guidelines, 2015. Collection method: clinical testing. Allele origin: germline.

NM_000091.5(COL4A3):c.293T>G (p.Leu98Trp)

Genes: MFF-DT (MFF divergent transcript; minus strand), COL4A3 (collagen type IV alpha 3 chain; plus strand). Cytogenetic location: 2q36.3.
Variant type: single nucleotide variant.
Coding change: c.293T>G on transcript NM_000091.5 (MANE Select); coding-DNA position 293, T replaced by G.
Protein change: p.Leu98Trp; replaces leucine 98 with tryptophan.
Molecular consequence: missense variant.
Genome position (GRCh38, 1-based): chr2:227,244,964, T>G. VCF-style: chr2-227244964-T-G. GRCh37 (hg19) VCF-style: chr2-228109680-T-G.
Other names: c.293T>G (NM_000091.4); short protein forms L98W.
Identifiers: ClinVar variation 1427601 (VCV001427601.5), dbSNP rs768983795, ClinGen allele CA2146025.
Genomic context (GRCh38, chr2:227,244,964, plus strand): 5'-TAAAGTTTTTTTTTTTTGCCACCCCCTCCTTTTTCCTATGTCTTCAGGGAATAAGTGGAT[T>G]GCCAGGATTTTCTGGTTCTCCTGGACTTCCAGTAAGTAATGGGAAAAATCCGTAGCTAGA-3'
Protein context (NP_000082.2, residues 88-108): GSKGVRGISG[Leu98Trp]PGFSGSPGLP